The following is an entry in ClinVar:

ClinVar aggregate classification (germline): Uncertain significance. Review status: criteria provided, multiple submitters, no conflicts (2 of 4 stars). 2 submissions from 2 submitters: Uncertain significance (2). Last evaluated 2025-10-09.

Conditions:
Brugada syndrome. Also called: Sudden unexpected nocturnal death syndrome; Sudden Unexplained Death Syndrome; Sudden Unexplained Nocturnal Death Syndrome (SUNDS); Sudden unexplained nocturnal death syndrome. Identifiers: Orphanet 130, MedGen C1142166, MONDO:0015263.
Cardiovascular phenotype. Identifiers: MedGen CN230736.

gnomAD v4.1: 60 of 1,613,992 alleles (0.0037%); highest among the groups gnomAD compares: Non-Finnish European, 0.0047%; no homozygotes.

Submissions (2):

Ambry Genetics
Classification: Uncertain significance for Cardiovascular phenotype. Last evaluated: 2025-10-09. Review status: criteria provided, single submitter. Criteria: Ambry Variant Classification Scheme 2023. Collection method: clinical testing. Allele origin: germline.
Comment: The p.P188S variant (also known as c.562C>T), located in coding exon 4 of the SCN10A gene, results from a C to T substitution at nucleotide position 562. The proline at codon 188 is replaced by serine, an amino acid with similar properties. This amino acid position is highly conserved in available vertebrate species. In addition, the in silico prediction for this alteration is inconclusive. The evidence for this gene-disease relationship is limited; therefore, the clinical significance of this alteration is unclear.

Labcorp Genetics (formerly Invitae), Labcorp
Classification: Uncertain significance for Brugada syndrome. Last evaluated: 2024-10-29. Review status: criteria provided, single submitter. Criteria: Invitae Variant Classification Sherloc (09022015). Collection method: clinical testing. Allele origin: germline.
Comment: This sequence change replaces proline, which is neutral and non-polar, with serine, which is neutral and polar, at codon 188 of the SCN10A protein (p.Pro188Ser). This variant is present in population databases (rs767815241, gnomAD 0.01%). This variant has not been reported in the literature in individuals affected with SCN10A-related conditions. ClinVar contains an entry for this variant (Variation ID: 2414512). Invitae Evidence Modeling of protein sequence and biophysical properties (such as structural, functional, and spatial information, amino acid conservation, physicochemical variation, residue mobility, and thermodynamic stability) has been performed for this missense variant. However, the output from this modeling did not meet the statistical confidence thresholds required to predict the impact of this variant on SCN10A protein function. In summary, the available evidence is currently insufficient to determine the role of this variant in disease. Therefore, it has been classified as a Variant of Uncertain Significance.

NM_006514.4(SCN10A):c.562C>T (p.Pro188Ser)

Gene: SCN10A (sodium voltage-gated channel alpha subunit 10; minus strand). Cytogenetic location: 3p22.2.
Variant type: single nucleotide variant.
Coding change: c.562C>T on transcript NM_006514.4 (MANE Select); coding-DNA position 562, C replaced by T.
Protein change: p.Pro188Ser; replaces proline 188 with serine.
Molecular consequence: missense variant.
Genome position (GRCh38, 1-based): chr3:38,771,316, G>A on the plus strand (C>T on the coding strand, the complement: SCN10A is on the minus strand). VCF-style: chr3-38771316-G-A. GRCh37 (hg19) VCF-style: chr3-38812807-G-A.
Other names: c.562C>T, p.Pro188Ser (NM_001293307.2, NM_001293306.2); c.562C>T (NM_006514.2); short protein forms P188S.
Identifiers: ClinVar variation 2414512 (VCV002414512.9), dbSNP rs767815241, ClinGen allele CA2321166.